The following is an entry in ClinVar:

NM_001164508.2(NEB):c.21908C>G (p.Thr7303Arg)

Genes: NEB (nebulin; minus strand), RIF1 (replication timing regulatory factor 1; plus strand). Cytogenetic location: 2q23.3.
Variant type: single nucleotide variant.
Coding change: c.21908C>G on transcript NM_001164508.2 (MANE Select); coding-DNA position 21908, C replaced by G.
Protein change: p.Thr7303Arg; replaces threonine 7303 with arginine.
Molecular consequence: missense variant.
Genome position (GRCh38, 1-based): chr2:151,526,955, G>C on the plus strand (C>G on the coding strand, the complement: NEB is on the minus strand). VCF-style: chr2-151526955-G-C. GRCh37 (hg19) VCF-style: chr2-152383469-G-C.
Other names: c.21908C>G, p.Thr7303Arg (NM_001164507.2); c.22013C>G, p.Thr7338Arg (NM_001271208.2); c.16805C>G, p.Thr5602Arg (NM_004543.5); short protein forms T5602R, T7303R, T7338R.
Identifiers: ClinVar variation 1465006 (VCV001465006.8), dbSNP rs374819736, ClinGen allele CA348768219.
Genomic context (GRCh38, chr2:151,526,955, plus strand): 5'-CATGGAAGGAACTAGGTACTTACATCACTTTCTATTAAAGTATTCCTGAGGGCGAGCACC[G>C]TGTTTTTGTCATCAGTGACAGAAAGCTTGCAACCCTTGAGGAACTCCCGGTCCAGCTTAT-3'
Protein context (NP_001157980.2, residues 7293-7313): CKLSVTDDKN[Thr7303Arg]VLALRNTLIE

ClinVar aggregate classification (germline): Uncertain significance (1 of 4 stars; one submission).

Conditions:
Nemaline myopathy 2 (NEM2). Also called: Nemaline myopathy 2, autosomal recessive. Identifiers: MedGen C1850569, MONDO:0009725, OMIM 256030.

Submission:

Labcorp Genetics (formerly Invitae), Labcorp
Classification: Uncertain significance for Nemaline myopathy 2. Last evaluated: 2021-02-23. Review status: criteria provided, single submitter. Criteria: Invitae Variant Classification Sherloc (09022015). Collection method: clinical testing. Allele origin: germline.
Comment: This sequence change replaces threonine with arginine at codon 7338 of the NEB protein (p.Thr7338Arg). The threonine residue is weakly conserved and there is a moderate physicochemical difference between threonine and arginine. This variant is not present in population databases (ExAC no frequency). This variant has not been reported in the literature in individuals with NEB-related conditions. Algorithms developed to predict the effect of missense changes on protein structure and function are either unavailable or do not agree on the potential impact of this missense change (SIFT: "Tolerated"; PolyPhen-2: "Not Available"; Align-GVGD: "Class C0"). Algorithms developed to predict the effect of sequence changes on RNA splicing suggest that this variant may create or strengthen a splice site, but this prediction has not been confirmed by published transcriptional studies. In summary, the available evidence is currently insufficient to determine the role of this variant in disease. Therefore, it has been classified as a Variant of Uncertain Significance.